The following is an entry in ClinVar:

NM_003924.4(PHOX2B):c.475G>A (p.Ala159Thr)

Gene: PHOX2B (paired like homeobox 2B; minus strand). Cytogenetic location: 4p13.
Variant type: single nucleotide variant.
Coding change: c.475G>A on transcript NM_003924.4 (MANE Select); coding-DNA position 475, G replaced by A.
Protein change: p.Ala159Thr; replaces alanine 159 with threonine.
Molecular consequence: missense variant.
Genome position (GRCh38, 1-based): chr4:41,746,277, C>T on the plus strand (G>A on the coding strand, the complement: PHOX2B is on the minus strand). VCF-style: chr4-41746277-C-T. GRCh37 (hg19) VCF-style: chr4-41748294-C-T.
Other names: short protein forms A159T.
Identifiers: ClinVar variation 2730631 (VCV002730631.4), dbSNP rs1162776926, ClinGen allele CA356738657.

ClinVar aggregate classification (germline): Uncertain significance. Review status: criteria provided, multiple submitters, no conflicts (2 of 4 stars). 2 submissions from 2 submitters: Uncertain significance (2). Last evaluated 2024-06-04.

Conditions:
Haddad syndrome (OHD). Also called: Ondine-Hirschsprung disease. Identifiers: Orphanet 99803, MedGen C1859049, MONDO:0020493.
Hereditary cancer-predisposing syndrome. Also called: Hereditary Cancer Syndrome; Tumor predisposition; Neoplastic Syndromes, Hereditary; Hereditary neoplastic syndrome. Identifiers: Orphanet 140162, MedGen C0027672, MeSH D009386, MONDO:0015356.

Submissions (2):

Ambry Genetics
Classification: Uncertain significance for Hereditary cancer-predisposing syndrome. Last evaluated: 2024-06-04. Review status: criteria provided, single submitter. Criteria: Ambry Variant Classification Scheme 2023. Collection method: clinical testing. Allele origin: germline.
Comment: The p.A159T variant (also known as c.475G>A), located in coding exon 3 of the PHOX2B gene, results from a G to A substitution at nucleotide position 475. The alanine at codon 159 is replaced by threonine, an amino acid with similar properties. This amino acid position is conserved. In addition, the in silico prediction for this alteration is inconclusive. Based on the available evidence, the clinical significance of this variant remains unclear.

Labcorp Genetics (formerly Invitae), Labcorp
Classification: Uncertain significance for Haddad syndrome. Last evaluated: 2023-04-27. Review status: criteria provided, single submitter. Criteria: Invitae Variant Classification Sherloc (09022015). Collection method: clinical testing. Allele origin: germline.
Comment: In summary, the available evidence is currently insufficient to determine the role of this variant in disease. Therefore, it has been classified as a Variant of Uncertain Significance. Advanced modeling of protein sequence and biophysical properties (such as structural, functional, and spatial information, amino acid conservation, physicochemical variation, residue mobility, and thermodynamic stability) performed at Invitae indicates that this missense variant is not expected to disrupt PHOX2B protein function. This variant has not been reported in the literature in individuals affected with PHOX2B-related conditions. This variant is not present in population databases (gnomAD no frequency). This sequence change replaces alanine, which is neutral and non-polar, with threonine, which is neutral and polar, at codon 159 of the PHOX2B protein (p.Ala159Thr).